The following is an entry in ClinVar:

ClinVar aggregate classification (germline): Conflicting classifications of pathogenicity. Review status: criteria provided, conflicting classifications (1 of 4 stars). 3 submissions from 3 submitters: Uncertain significance (1); Benign (1); Likely benign (1). Last evaluated 2025-06-10.

Conditions:
Erythrocytosis, familial, 3 (ECYT3). Identifiers: Orphanet 247511, MedGen C1853286, MONDO:0012353, OMIM 609820.

Allele frequency attached by ClinVar (database versions not stated): TOPMed 0.00005; ESP Exome Variant Server 0.00015; gnomAD 0.00045 and 0.00049.
gnomAD v4.1: 422 of 1,613,556 alleles (0.026%); highest among the groups gnomAD compares: East Asian, 0.022%; 1 homozygote.

Submissions (3):

Labcorp Genetics (formerly Invitae), Labcorp
Classification: Benign for Erythrocytosis, familial, 3. Last evaluated: 2025-06-10. Review status: criteria provided, single submitter. Criteria: Invitae Variant Classification Sherloc (09022015). Collection method: clinical testing. Allele origin: germline.

Ambry Genetics
Classification: Uncertain significance. Last evaluated: 2025-01-15. Review status: criteria provided, single submitter. Criteria: Ambry Variant Classification Scheme 2023. Collection method: clinical testing. Allele origin: germline.
Comment: The p.S420L variant (also known as c.1259C>T), located in coding exon 5 of the EGLN1 gene, results from a C to T substitution at nucleotide position 1259. The serine at codon 420 is replaced by leucine, an amino acid with dissimilar properties. This amino acid position is well conserved in available vertebrate species. In addition, the in silico prediction for this alteration is inconclusive. The evidence for this gene-disease relationship is limited; therefore, the clinical significance of this alteration is unclear.

Blueprint Genetics
Classification: Likely benign. Last evaluated: 2023-12-15. Review status: criteria provided, single submitter. Criteria: ACMG Guidelines, 2015. Collection method: clinical testing. Allele origin: germline.

NM_022051.3(EGLN1):c.1259C>T (p.Ser420Leu)

Gene: EGLN1 (egl-9 family hypoxia inducible factor 1; minus strand). Cytogenetic location: 1q42.2.
Variant type: single nucleotide variant.
Coding change: c.1259C>T on transcript NM_022051.3 (MANE Select); coding-DNA position 1259, C replaced by T.
Protein change: p.Ser420Leu; replaces serine 420 with leucine.
Molecular consequence: missense variant. On other transcripts: 3 prime UTR variant (2).
Genome position (GRCh38, 1-based): chr1:231,366,433, G>A on the plus strand (C>T on the coding strand, the complement: EGLN1 is on the minus strand). VCF-style: chr1-231366433-G-A. GRCh37 (hg19) VCF-style: chr1-231502179-G-A.
Other names: c.*39C>T (NM_001377260.1); c.*84C>T (NM_001377261.1); short protein forms S420L.
Identifiers: ClinVar variation 465822 (VCV000465822.11), dbSNP rs147839743, ClinGen allele CA1452959.